The following is an entry in ClinVar:

NM_001110556.2(FLNA):c.2773A>G (p.Ile925Val)

Gene: FLNA (filamin A; minus strand). Cytogenetic location: Xq28.
Variant type: single nucleotide variant.
Coding change: c.2773A>G on transcript NM_001110556.2 (MANE Select); coding-DNA position 2773, A replaced by G.
Protein change: p.Ile925Val; replaces isoleucine 925 with valine.
Molecular consequence: missense variant.
Genome position (GRCh38, 1-based): chrX:154,362,032, T>C on the plus strand (A>G on the coding strand, the complement: FLNA is on the minus strand). VCF-style: chrX-154362032-T-C. GRCh37 (hg19) VCF-style: chrX-153590400-T-C.
Other names: c.2773A>G, p.Ile925Val (NM_001456.4); short protein forms I925V.
Identifiers: ClinVar variation 3901449 (VCV003901449.1).

ClinVar aggregate classification (germline): Uncertain significance (1 of 4 stars; one submission).

Submission:

GeneDx
Classification: Uncertain significance. Last evaluated: 2024-12-07. Review status: criteria provided, single submitter. Criteria: GeneDx Variant Classification Process June 2021. Collection method: clinical testing. Allele origin: germline. Affected: yes.
Comment: Not observed at significant frequency in large population cohorts (gnomAD); In silico analysis indicates that this missense variant does not alter protein structure/function; Has not been previously published as pathogenic or benign to our knowledge